The following is an entry in ClinVar:

ClinVar aggregate classification (germline): Uncertain significance. Review status: criteria provided, multiple submitters, no conflicts (2 of 4 stars). 2 submissions from 2 submitters: Uncertain significance (2). Last evaluated 2025-01-06.

Conditions:
Donnai-Barrow syndrome. Also called: DBS/FOAR SYNDROME; FACIOOCULOACOUSTICORENAL SYNDROME. Identifiers: Orphanet 2143, MedGen C1857277, MONDO:0009104, OMIM 222448.

Allele frequency attached by ClinVar (database versions not stated): gnomAD 0.00001; gnomAD exomes 0.00001 and below 0.00001.
gnomAD v4.1: 4 of 1,613,822 alleles (0.00025%); highest among the groups gnomAD compares: Non-Finnish European, 0.00034%; no homozygotes.

Submissions (2):

Labcorp Genetics (formerly Invitae), Labcorp
Classification: Uncertain significance. Last evaluated: 2025-01-06. Review status: criteria provided, single submitter. Criteria: Invitae Variant Classification Sherloc (09022015). Collection method: clinical testing. Allele origin: germline.
Comment: This sequence change replaces leucine, which is neutral and non-polar, with proline, which is neutral and non-polar, at codon 3097 of the LRP2 protein (p.Leu3097Pro). This variant is present in population databases (no rsID available, gnomAD 0.0009%). This variant has not been reported in the literature in individuals affected with LRP2-related conditions. ClinVar contains an entry for this variant (Variation ID: 1471810). Invitae Evidence Modeling of protein sequence and biophysical properties (such as structural, functional, and spatial information, amino acid conservation, physicochemical variation, residue mobility, and thermodynamic stability) indicates that this missense variant is not expected to disrupt LRP2 protein function with a negative predictive value of 95%. In summary, the available evidence is currently insufficient to determine the role of this variant in disease. Therefore, it has been classified as a Variant of Uncertain Significance.

Fulgent Genetics
Classification: Uncertain significance for Donnai-Barrow syndrome. Last evaluated: 2022-02-25. Review status: criteria provided, single submitter. Criteria: ACMG Guidelines, 2015. Collection method: clinical testing. Allele origin: unknown.

NM_004525.3(LRP2):c.9290T>C (p.Leu3097Pro)

Gene: LRP2 (LDL receptor related protein 2; minus strand). Cytogenetic location: 2q31.1.
Variant type: single nucleotide variant.
Coding change: c.9290T>C on transcript NM_004525.3 (MANE Select); coding-DNA position 9290, T replaced by C.
Protein change: p.Leu3097Pro; replaces leucine 3097 with proline.
Molecular consequence: missense variant.
Genome position (GRCh38, 1-based): chr2:169,188,008, A>G on the plus strand (T>C on the coding strand, the complement: LRP2 is on the minus strand). VCF-style: chr2-169188008-A-G. GRCh37 (hg19) VCF-style: chr2-170044518-A-G.
Other names: short protein forms L3097P.
Identifiers: ClinVar variation 1471810 (VCV001471810.7), dbSNP rs892125029, ClinGen allele CA59917354.